The following is an entry in ClinVar:

ClinVar aggregate classification (germline): Benign/Likely benign. Review status: criteria provided, multiple submitters, no conflicts (2 of 4 stars). 3 submissions from 3 submitters: Benign (1); Likely benign (2). Last evaluated 2026-08-01.

Conditions:
Inborn genetic diseases. Identifiers: MedGen C0950123, MeSH D030342.

Allele frequency attached by ClinVar (database versions not stated): gnomAD exomes 0.00004 and 0.00010; ExAC 0.00005; gnomAD 0.00005; TOPMed 0.00006.
gnomAD v4.1: 148 of 1,614,216 alleles (0.0092%); highest among the groups gnomAD compares: Non-Finnish European, 0.012%; no homozygotes.

Submissions (3):

CeGaT Center for Human Genetics Tuebingen
Classification: Likely benign. Last evaluated: 2026-08-01. Review status: criteria provided, single submitter. Criteria: CeGaT Center For Human Genetics Tuebingen Variant Classification Criteria Version 2. Collection method: clinical testing. Allele origin: germline. Affected: yes. Observed: 3 variant alleles.
Comment: KCNQ5: BS2

Labcorp Genetics (formerly Invitae), Labcorp
Classification: Benign. Last evaluated: 2026-01-05. Review status: criteria provided, single submitter. Criteria: Invitae Variant Classification Sherloc (09022015). Collection method: clinical testing. Allele origin: germline.

Ambry Genetics
Classification: Likely benign for Inborn genetic diseases. Last evaluated: 2024-03-07. Review status: criteria provided, single submitter. Criteria: Ambry Variant Classification Scheme 2023. Collection method: clinical testing. Allele origin: germline.

NM_019842.4(KCNQ5):c.2117G>T (p.Ser706Ile)

Gene: KCNQ5 (potassium voltage-gated channel subfamily Q member 5; plus strand). Cytogenetic location: 6q13.
Variant type: single nucleotide variant.
Coding change: c.2117G>T on transcript NM_019842.4 (MANE Select); coding-DNA position 2117, G replaced by T.
Protein change: p.Ser706Ile; replaces serine 706 with isoleucine.
Molecular consequence: missense variant.
Genome position (GRCh38, 1-based): chr6:73,194,732, G>T. VCF-style: chr6-73194732-G-T. GRCh37 (hg19) VCF-style: chr6-73904455-G-T.
Other names: c.2090G>T, p.Ser697Ile (NM_001160130.2); c.2147G>T, p.Ser716Ile (NM_001160132.2); c.2174G>T, p.Ser725Ile (NM_001160133.2); c.1787G>T, p.Ser596Ile (NM_001160134.2); c.2174G>T (NM_001160133.1); short protein forms S706I, S725I, S716I, S596I, S697I.
Identifiers: ClinVar variation 1372318 (VCV001372318.39), dbSNP rs773692396, ClinGen allele CA3887213.
Genomic context (GRCh38, chr6:73,194,732, plus strand): 5'-GAGGCCTGCAGTTCATTCTGACGCCAAATGAGTTCAGTGCCCAGACTTTCTACGCGCTTA[G>T]CCCTACTATGCACAGTCAAGCAACACAGGTGCCAATTAGTCAAAGCGATGGCTCAGCAGT-3'
Protein context (NP_062816.2, residues 696-716): EFSAQTFYAL[Ser706Ile]PTMHSQATQV